The following is an entry in ClinVar:

ClinVar aggregate classification (germline): Likely pathogenic (1 of 4 stars; one submission).

Conditions:
Warburg micro syndrome 2 (WARBM2). Also called: MICRO SYNDROME 2. Identifiers: Orphanet 2510, MedGen C3280214, MONDO:0013641, OMIM 614225.

Submission:

Broad Center for Mendelian Genomics, Broad Institute of MIT and Harvard
Classification: Likely pathogenic for Warburg micro syndrome 2. Last evaluated: 2023-01-25. Review status: criteria provided, single submitter. Criteria: ACMG Guidelines, 2015. Collection method: curation. Allele origin: germline. Inheritance: Autosomal recessive inheritance.
Comment: The p.Val401fs*Ter1 variant in RAB3GAP2 has not been previously reported in individuals with Warburg micro syndrome 2. This variant was absent from large population studies. This variant is predicted to cause a frameshift, which alters the protein‚Äôs amino acid sequence beginning at position 401 and leads to a premature termination codon 1 amino acids downstream. This alteration is then predicted to lead to a truncated or absent protein. Loss of function of the RAB3GAP2 gene is strongly associated to autosomal recessive Martsolf syndrome 1. In summary, although although additional studies are required to fully establish its clinical significance, this variant is likely pathogenic for autosomal recessive Martsolf syndrome 1. ACMG/AMP Criteria applied: PVS1_Strong, PM2_Supporting, PM3_Supporting (Richards 2015).

NM_012414.4(RAB3GAP2):c.1201del (p.Ala400_Val401insTer)

Gene: RAB3GAP2 (RAB3 GTPase activating non-catalytic protein subunit 2; minus strand). Cytogenetic location: 1q41.
Variant type: Deletion.
Coding change: c.1201del on transcript NM_012414.4 (MANE Select); coding-DNA position 1201, one base deleted (G; older notation c.1201delG).
Protein change: p.Ala400_Val401insTer.
Molecular consequence: nonsense.
Genome position (GRCh38, 1-based): chr1:220,193,309, C deleted on the plus strand (G on the coding strand, the reverse complement: RAB3GAP2 is on the minus strand). VCF-style (leftmost placement, unchanged base first): chr1-220193308-AC-A. GRCh37 (hg19) VCF-style: chr1-220366650-AC-A.
Other names: NM_012414.4:c.1201del.
Identifiers: ClinVar variation 2412697 (VCV002412697.1), dbSNP rs2528685221, ClinGen allele CA2573332359.